The following is an entry in ClinVar:

ClinVar aggregate classification (germline): Pathogenic. Review status: criteria provided, multiple submitters, no conflicts (2 of 4 stars). 3 submissions from 3 submitters: Pathogenic (2). 1 of the submissions does not count toward it. Last evaluated 2026-04-14.

Conditions:
Familial intrahepatic cholestasis. Identifiers: Orphanet 284385, MedGen CN296401, MONDO:0017290.
ATP8B1-related disorder. Also called: ATP8B1-related condition; ATP8B1-related disorders.

Allele frequency attached by ClinVar (database versions not stated): ExAC 0.00001; gnomAD exomes 0.00001; gnomAD 0.00002; TOPMed 0.00002; ESP Exome Variant Server 0.00008.
gnomAD v4.1: 16 of 1,614,022 alleles (0.00099%); highest among the groups gnomAD compares: East Asian, 0.0022%; no homozygotes.

Submissions (3):

Genomenon, Inc
Classification: Pathogenic for Familial intrahepatic cholestasis. Last evaluated: 2026-04-14. Review status: criteria provided, single submitter. Criteria: Genomenon Sequence Variant Interpretation Standards - Updated. Collection method: curation. Allele origin: germline. Affected: yes.
Comment: ATP8B1 p.Arg930Ter (c.2788C>T) is a nonsense variant that introduces a premature stop codon at amino acid position 930, creating a truncated protein that is predicted to undergo nonsense-mediated mRNA decay. This variant has been observed in at least one proband with features of ATP8B1-deficiency (PMID:40851490;34543749;28733223;15239083;26382629;26678486;20683201;17241866). It is absent or not present at a significant frequency in gnomAD. In conclusion, we classify ATP8B1 p.Arg930Ter (c.2788C>T) as a pathogenic variant.

Labcorp Genetics (formerly Invitae), Labcorp
Classification: Pathogenic. Last evaluated: 2026-01-24. Review status: criteria provided, single submitter. Criteria: Invitae Variant Classification Sherloc (09022015). Collection method: clinical testing. Allele origin: germline.
Comment: This sequence change creates a premature translational stop signal (p.Arg930*) in the ATP8B1 gene. It is expected to result in an absent or disrupted protein product. Loss-of-function variants in ATP8B1 are known to be pathogenic (PMID: 15239083, 22525741). This variant is present in population databases (rs140407614, gnomAD 0.006%). This premature translational stop signal has been observed in individual(s) with clinical features of progressive familial intrahepatic cholestasis type 1 (PMID: 15239083, 34543749). ClinVar contains an entry for this variant (Variation ID: 2736744). For these reasons, this variant has been classified as Pathogenic.

PreventionGenetics, part of Exact Sciences
Classification: Pathogenic for ATP8B1-related condition. Last evaluated: 2024-02-27. Review status: no assertion criteria provided. Collection method: clinical testing. Allele origin: germline. Not counted in ClinVar's aggregate classification.
Comment: The ATP8B1 c.2788C>T variant is predicted to result in premature protein termination (p.Arg930*). This variant has been reported in the homozygous or compound heterozygous state in individuals with autosomal recessive familial progressive intrahepatic cholestasis (see for example, Klomp et al. 2004. PubMed ID: 15239083; Yang et al. 2021. PubMed ID: 34543749). This variant is reported in 0.0054% of alleles in individuals of East Asian descent in gnomAD. Nonsense variants in ATP8B1 are expected to be pathogenic. This variant is interpreted as pathogenic.

Literature cited by the submitters: PubMed 40851490 (cited by Genomenon, Inc); PubMed 34543749 (cited by Genomenon, Inc and Labcorp Genetics (formerly Invitae), Labcorp); PubMed 28733223 (cited by Genomenon, Inc); PubMed 15239083 (cited by Genomenon, Inc and Labcorp Genetics (formerly Invitae), Labcorp); PubMed 26382629 (cited by Genomenon, Inc); PubMed 26678486 (cited by Genomenon, Inc); PubMed 20683201 (cited by Genomenon, Inc); PubMed 17241866 (cited by Genomenon, Inc); PubMed 22525741 (cited by Labcorp Genetics (formerly Invitae), Labcorp).

NM_001374385.1(ATP8B1):c.2788C>T (p.Arg930Ter)

Genes: ATP8B1 (ATPase phospholipid transporting 8B1; minus strand), ATP8B1-AS1 (ATP8B1 antisense RNA 1; plus strand). Cytogenetic location: 18q21.31.
Variant type: single nucleotide variant.
Coding change: c.2788C>T on transcript NM_001374385.1 (MANE Select); coding-DNA position 2788, C replaced by T.
Protein change: p.Arg930Ter; replaces arginine 930 with a stop codon.
Molecular consequence: nonsense.
Genome position (GRCh38, 1-based): chr18:57,655,337, G>A on the plus strand (C>T on the coding strand, the complement: ATP8B1 is on the minus strand). VCF-style: chr18-57655337-G-A. GRCh37 (hg19) VCF-style: chr18-55322569-G-A.
Other names: c.2788C>T (NM_005603.4); c.2638C>T, p.Arg880Ter (NM_001374386.1); c.2788C>T, p.Arg930Ter (NM_005603.6); short protein forms R880*, R930*.
Identifiers: ClinVar variation 2736744 (VCV002736744.6), dbSNP rs140407614, ClinGen allele CA8974162.